The following is an entry in ClinVar:

NM_001754.5(RUNX1):c.613+19G>A

Genes: RUNX1 (RUNX family transcription factor 1; minus strand), RUNX1-AS1 (RUNX1 antisense RNA 1; plus strand). Cytogenetic location: 21q22.12.
Variant type: single nucleotide variant.
Coding change: c.613+19G>A on transcript NM_001754.5 (MANE Select); 19 bases into the intron after coding-DNA position 613, G replaced by A.
Molecular consequence: intron variant.
Genome position (GRCh38, 1-based): chr21:34,859,455, C>T on the plus strand (G>A on the coding strand, the complement: RUNX1 is on the minus strand). VCF-style: chr21-34859455-C-T. GRCh37 (hg19) VCF-style: chr21-36231752-C-T.
Other names: c.532+19G>A (NM_001001890.3, NM_001122607.2).
Identifiers: ClinVar variation 1639860 (VCV001639860.9), dbSNP rs772233610, ClinGen allele CA10014472.
Genomic context (GRCh38, chr21:34,859,455, plus strand): 5'-GAGACATGGTCCCTGAGTATACCAGCCTGGAGGGTGTACCAGCCTGGAGGGTGTACCAGC[C>T]CCAAGTGGATGCACTTACTTCGAGGTTCTCGGGGCCCATCCACTGTGATTTTGATGGCTC-3'

ClinVar aggregate classification (germline): Likely benign. Review status: reviewed by expert panel (3 of 4 stars). 2 submissions from 2 submitters: Likely benign (1). 1 of the submissions does not count toward it. Last evaluated 2025-01-15.

Conditions:
Hereditary thrombocytopenia and hematological cancer predisposition syndrome associated with RUNX1. Also called: Familial Platelet Disorder with Propensity to Acute Myelogenous Leukemia; Familial thrombocytopenia with propensity to acute myelogenous leukemia; PLATELET DISORDER, ASPIRIN-LIKE; RUNX1 Familial Platelet Disorder with Associated Myeloid Malignancies. Identifiers: Orphanet 71290, MedGen C1832388, MeSH C563324, MONDO:0100083, OMIM 601399.
Hereditary thrombocytopenia and hematologic cancer predisposition syndrome. Identifiers: Orphanet 71290, MedGen CN281654, MONDO:0011071.

Allele frequency attached by ClinVar (database versions not stated): TOPMed below 0.00001; gnomAD 0.00001; gnomAD exomes 0.00001; ExAC 0.00002.
gnomAD v4.1: 9 of 1,548,922 alleles (0.00058%); highest among the groups gnomAD compares: Non-Finnish European, 0.0008%; no homozygotes.

Submissions (2):

ClinGen Myeloid Malignancy Variant Curation Expert Panel
Classification: Likely benign for Hereditary thrombocytopenia and hematologic cancer predisposition syndrome. Last evaluated: 2025-01-15. Review status: reviewed by expert panel. Criteria: ClinGen MyeloMalig ACMG Specifications v2. Collection method: curation. Allele origin: germline. Inheritance: Autosomal dominant inheritance.
Comment: NM_001754.5(RUNX1):c.613+19G>A is an intronic variant which meets criteria for likely benign classification. It has a SpliceAI score ≤ 0.20 (0.0) (BP4), and evolutionary conservation algorithms predict the site as not being conserved (PhyloP score ≤ 2.0 (0.49)) (BP7). In summary, this variant meets criteria to be classified as likely benign. ACMG/AMP criteria applied, as specified by the Myeloid Malignancy Variant Curation Expert Panel for RUNX1: BP4, BP7.

Labcorp Genetics (formerly Invitae), Labcorp
Classification: Likely benign for Hereditary thrombocytopenia and hematological cancer predisposition syndrome associated with RUNX1. Last evaluated: 2025-06-17. Review status: criteria provided, single submitter. Criteria: Invitae Variant Classification Sherloc (09022015). Collection method: clinical testing. Allele origin: germline. Not counted in ClinVar's aggregate classification.